The following is an entry in ClinVar:

ClinVar aggregate classification (germline): Likely pathogenic (1 of 4 stars; one submission).

Conditions:
Ehlers-Danlos syndrome, classic type, 1 (EDSCL1). Also called: Ehlers-Danlos Syndrome, Classic Type, COL5A1-Related; EHLERS-DANLOS SYNDROME, GRAVIS TYPE; EHLERS-DANLOS SYNDROME, SEVERE CLASSIC TYPE; Ehlers-Danlos syndrome, type 1; EDS I. Identifiers: MedGen C0268335, MONDO:0019567, OMIM 130000.
Osteogenesis imperfecta type I (OI1). Also called: OI, TYPE I; OSTEOGENESIS IMPERFECTA TARDA; OSTEOGENESIS IMPERFECTA WITH BLUE SCLERAE; Osteogenesis imperfecta type 1; Classic Non-deforming Osteogenesis Imperfecta with Blue Sclerae; Lobstein's Disease. Identifiers: Orphanet 216796, Orphanet 666, MedGen C0023931, MONDO:0008146, OMIM 166200. Disease mechanism: loss of function.

Submission:

Labcorp Genetics (formerly Invitae), Labcorp
Classification: Likely pathogenic for Osteogenesis imperfecta type I; Ehlers-Danlos syndrome, classic type, 1. Last evaluated: 2023-05-20. Review status: criteria provided, single submitter. Criteria: Invitae Variant Classification Sherloc (09022015). Collection method: clinical testing. Allele origin: germline.
Comment: This variant, c.2427_2435dup, results in the insertion of 3 amino acid(s) of the COL1A2 protein (p.Pro810_Pro812dup), but otherwise preserves the integrity of the reading frame. This variant is not present in population databases (gnomAD no frequency). This variant has been observed in individual(s) with autosomal dominant osteogenesis imperfecta (PMID: 16705691, 31363794; Invitae). This variant is also known as c.2425_2433dupCCCCCTGGT (p.Pro809_Gly811dup) and c.2419_2427dup (p.Pro807_Pro809dup). ClinVar contains an entry for this variant (Variation ID: 2136570). In summary, the currently available evidence indicates that the variant is pathogenic, but additional data are needed to prove that conclusively. Therefore, this variant has been classified as Likely Pathogenic.

Literature cited by the submitters: PubMed 16705691; PubMed 31363794.

NM_000089.4(COL1A2):c.2427_2435dup (p.Pro812_Ala813insProGlyPro)

Gene: COL1A2 (collagen type I alpha 2 chain; plus strand). Cytogenetic location: 7q21.3.
Variant type: Duplication.
Coding change: c.2427_2435dup on transcript NM_000089.4 (MANE Select); coding-DNA positions 2427 to 2435, 9 bases duplicated (CCCTGGTCC; older notation c.2427_2435dupCCCTGGTCC).
Protein change: p.Pro812_Ala813insProGlyPro.
Molecular consequence: inframe insertion.
Genome position (GRCh38, 1-based): chr7:94,422,980-94,422,988, CCCTGGTCC duplicated; duplicating any 9 consecutive bases within chr7:94,422,972-94,422,988 gives the same sequence; the c. name uses the placement nearest the transcript's 3' end. VCF-style (leftmost placement, unchanged base first): chr7-94422971-T-TCCTGGTCCC. GRCh37 (hg19) VCF-style: chr7-94052283-T-TCCTGGTCCC.
Identifiers: ClinVar variation 2136570 (VCV002136570.4), dbSNP rs2484729358, ClinGen allele CA2580077900.